The following is an entry in ClinVar:

ClinVar aggregate classification (germline): Uncertain significance. Review status: criteria provided, multiple submitters, no conflicts (2 of 4 stars). 2 submissions from 2 submitters: Uncertain significance (2). Last evaluated 2022-06-20.

Conditions:
Fanconi anemia (FA). Also called: Fanconi's anemia. Identifiers: Orphanet 84, MedGen C0015625, MeSH D005199, MONDO:0019391.

Allele frequency attached by ClinVar (database versions not stated): gnomAD 0.00001; TOPMed 0.00002; ExAC 0.00003; gnomAD exomes 0.00004; ESP Exome Variant Server 0.00008.
gnomAD v4.1: 59 of 1,613,052 alleles (0.0037%); highest among the groups gnomAD compares: Non-Finnish European, 0.0047%; no homozygotes.

Submissions (2):

Labcorp Genetics (formerly Invitae), Labcorp
Classification: Uncertain significance for Fanconi anemia. Last evaluated: 2022-06-20. Review status: criteria provided, single submitter. Criteria: Invitae Variant Classification Sherloc (09022015). Collection method: clinical testing. Allele origin: germline.
Comment: This sequence change replaces leucine, which is neutral and non-polar, with arginine, which is basic and polar, at codon 3 of the SLX4 protein (p.Leu3Arg). This variant is present in population databases (rs377532371, gnomAD 0.004%). This variant has not been reported in the literature in individuals affected with SLX4-related conditions. Algorithms developed to predict the effect of missense changes on protein structure and function are either unavailable or do not agree on the potential impact of this missense change (SIFT: "Deleterious"; PolyPhen-2: "Benign"; Align-GVGD: "Class C0"). In summary, the available evidence is currently insufficient to determine the role of this variant in disease. Therefore, it has been classified as a Variant of Uncertain Significance.

Blueprint Genetics
Classification: Uncertain significance. Last evaluated: 2021-06-22. Review status: criteria provided, single submitter. Criteria: ACMG Guidelines, 2015. Collection method: clinical testing. Allele origin: germline.

NM_032444.4(SLX4):c.8T>G (p.Leu3Arg)

Gene: SLX4 (SLX4 structure-specific endonuclease subunit; minus strand). Cytogenetic location: 16p13.3.
Variant type: single nucleotide variant.
Coding change: c.8T>G on transcript NM_032444.4 (MANE Select); coding-DNA position 8, T replaced by G.
Protein change: p.Leu3Arg; replaces leucine 3 with arginine.
Molecular consequence: missense variant.
Genome position (GRCh38, 1-based): chr16:3,608,957, A>C on the plus strand (T>G on the coding strand, the complement: SLX4 is on the minus strand). VCF-style: chr16-3608957-A-C. GRCh37 (hg19) VCF-style: chr16-3658958-A-C.
Other names: short protein forms L3R.
Identifiers: ClinVar variation 2186772 (VCV002186772.2), dbSNP rs377532371, ClinGen allele CA7866969.